The following is an entry in ClinVar:

NM_004563.4(PCK2):c.736dup (p.Ile246fs)

Genes: PCK2 (phosphoenolpyruvate carboxykinase 2, mitochondrial; plus strand), NRL (neural retina leucine zipper; minus strand). Cytogenetic location: 14q11.2.
Variant type: Duplication.
Coding change: c.736dup on transcript NM_004563.4 (MANE Select); coding-DNA position 736, one base duplicated (A; older notation c.736dupA).
Protein change: p.Ile246fs; shifts the reading frame from isoleucine 246.
Molecular consequence: frameshift variant. On other transcripts: intron variant (3).
Genome position (GRCh38, 1-based): chr14:24,099,120, A duplicated. VCF-style (leftmost placement, unchanged base first): chr14-24099119-G-GA. GRCh37 (hg19) VCF-style: chr14-24568328-G-GA.
Other names: c.736dup, p.Ile246fs (NM_001018073.3); c.334dup, p.Ile112fs (NM_001291556.2, NM_001308054.2); c.-28+15602dup (NM_001354768.3, NM_001354770.2); c.-253-14375dup (NM_006177.5); short protein forms I112fs, I246fs.
Identifiers: ClinVar variation 3704849 (VCV003704849.2).

ClinVar aggregate classification (germline): Uncertain significance (1 of 4 stars; one submission).

Submission:

Labcorp Genetics (formerly Invitae), Labcorp
Classification: Uncertain significance. Last evaluated: 2024-09-30. Review status: criteria provided, single submitter. Criteria: Invitae Variant Classification Sherloc (09022015). Collection method: clinical testing. Allele origin: germline.
Comment: This sequence change creates a premature translational stop signal (p.Ile246Asnfs*31) in the PCK2 gene. It is expected to result in an absent or disrupted protein product. However, the current clinical and genetic evidence is not sufficient to establish whether loss-of-function variants in PCK2 cause disease. This variant is present in population databases (rs754933476, gnomAD 0.02%). This variant has not been reported in the literature in individuals affected with PCK2-related conditions. In summary, the available evidence is currently insufficient to determine the role of this variant in disease. Therefore, it has been classified as a Variant of Uncertain Significance.